The following is an entry in ClinVar:

NM_000540.3(RYR1):c.8063A>T (p.His2688Leu)

Gene: RYR1 (ryanodine receptor 1; plus strand). Cytogenetic location: 19q13.2.
Variant type: single nucleotide variant.
Coding change: c.8063A>T on transcript NM_000540.3 (MANE Select); coding-DNA position 8063, A replaced by T.
Protein change: p.His2688Leu; replaces histidine 2688 with leucine.
Molecular consequence: missense variant.
Genome position (GRCh38, 1-based): chr19:38,504,356, A>T. VCF-style: chr19-38504356-A-T. GRCh37 (hg19) VCF-style: chr19-38994996-A-T.
Other names: c.8063A>T, p.His2688Leu (NM_001042723.2); short protein forms H2688L.
Identifiers: ClinVar variation 3069784 (VCV003069784.1), dbSNP rs772107322, ClinGen allele CA405676228.

ClinVar aggregate classification (germline): Uncertain significance (1 of 4 stars; one submission).

Conditions:
Malignant hyperthermia, susceptibility to, 1 (MHS1). Also called: RYR1-Related Malignant Hyperthermia Susceptibility; Anesthesia related hyperthermia; Malignant hyperpyrexia; Fulminating hyperpyrexia; Pharmacogenic myopathy; Malignant hyperthermia suceptibility 1. Identifiers: Orphanet 423, MedGen C2930980, MONDO:0007783, OMIM 145600.

Allele frequency attached by ClinVar (database versions not stated): gnomAD 0.00001.
gnomAD v4.1: 4 of 1,613,994 alleles (0.00025%); highest among the groups gnomAD compares: African/African-American, 0.0013%; no homozygotes.

Submission:

All of Us Research Program, National Institutes of Health
Classification: Uncertain significance for Malignant hyperthermia, susceptibility to, 1. Last evaluated: 2023-03-09. Review status: criteria provided, single submitter. Criteria: ACMG Guidelines, 2015. Collection method: clinical testing. Allele origin: germline. Inheritance: Autosomal dominant inheritance. Observed: 1 variant allele, 1 heterozygote.
Comment: This missense variant replaces histidine with leucine at codon 2688 of the RYR1 protein. Computational prediction suggests that this variant may not impact protein structure and function (internally defined REVEL score threshold <= 0.5, PMID: 27666373). To our knowledge, functional studies have not been reported for this variant. This variant has not been reported in individuals affected with RYR1-related disorders in the literature. This variant has been identified in 2/282372 chromosomes in the general population by the Genome Aggregation Database (gnomAD). The available evidence is insufficient to determine the role of this variant in disease conclusively. Therefore, this variant is classified as a Variant of Uncertain Significance.

This study involves interpretation of variants in research participants for the purpose of population health screening. Participant phenotype was not available at the time of variant classification. Additional details can be found in publication PMID: 35346344, PMCID: PMC8962531